The following is an entry in ClinVar:

ClinVar aggregate classification (germline): Pathogenic. Review status: reviewed by expert panel (3 of 4 stars). 2 submissions from 2 submitters: Pathogenic (1). 1 of the submissions does not count toward it. Last evaluated 2017-12-15.

Conditions:
Breast-ovarian cancer, familial, susceptibility to, 2 (BROVCA2). Also called: BRCA2 Hereditary Breast and Ovarian Cancer. Identifiers: Orphanet 145, MedGen C2675520, MONDO:0012933, OMIM 612555. Disease mechanism: loss of function.
Familial cancer of breast. Also called: BREAST CANCER, FAMILIAL; Hereditary breast cancer; hereditary breast carcinoma. Identifiers: Orphanet 227535, MedGen C0346153, MONDO:0016419, OMIM 114480. Disease mechanism: loss of function.

Submissions (2):

Evidence-based Network for the Interpretation of Germline Mutant Alleles (ENIGMA)
Classification: Pathogenic for Breast-ovarian cancer, familial, susceptibility to, 2. Last evaluated: 2017-12-15. Review status: reviewed by expert panel. Criteria: ENIGMA BRCA1/2 Classification Criteria (2017-06-29). Collection method: curation. Allele origin: germline. Study: ENIGMA.
Comment: Variant allele predicted to encode a truncated non-functional protein.

GeneKor MSA
Classification: Pathogenic for Hereditary Breast Carcinoma. Last evaluated: 2020-01-01. Review status: criteria provided, single submitter. Criteria: ACMG Guidelines, 2015. Collection method: clinical testing. Allele origin: germline. Affected: yes. Not counted in ClinVar's aggregate classification.
Comment: This sequence change inserts one base in exon 10 of the BRCA2 mRNA (c.1821dupA), causing a frameshift after codon 608 and the creation of a premature translation stop signal 8 amino acid residues later, [(p.Asp608Argfs)]. This is expected to result in an absent or disrupted protein product. Truncating variants in the BRCA2 gene are known to be pathogenic. The mutation database Clinvar contains entries for this variant (Variation ID: 252443).

NM_000059.4(BRCA2):c.1821dup (p.Asp608fs)

Gene: BRCA2 (BRCA2 DNA repair associated; plus strand). Cytogenetic location: 13q13.1.
Variant type: Duplication.
Coding change: c.1821dup on transcript NM_000059.4 (MANE Select); coding-DNA position 1821, one base duplicated (A; older notation c.1821dupA).
Protein change: p.Asp608fs; shifts the reading frame from aspartic acid 608.
Molecular consequence: frameshift variant.
Genome position (GRCh38, 1-based): chr13:32,333,299, A duplicated; the last of 3 consecutive A bases (chr13:32,333,297-32,333,299); duplicating any one gives the same sequence. VCF-style (leftmost placement, unchanged base first): chr13-32333296-G-GA. GRCh37 (hg19) VCF-style: chr13-32907433-G-GA.
Other names: c.1821dupA (NM_000059.3); short protein forms D608fs.
Identifiers: ClinVar variation 252443 (VCV000252443.4), dbSNP rs879255327, ClinGen allele CA10585931.